The following is an entry in ClinVar:

ClinVar aggregate classification (germline): Uncertain significance (1 of 4 stars; one submission).

Conditions:
Hereditary cancer-predisposing syndrome. Also called: Tumor predisposition; Neoplastic Syndromes, Hereditary; Hereditary Cancer Syndrome; Hereditary neoplastic syndrome. Identifiers: Orphanet 140162, MedGen C0027672, MeSH D009386, MONDO:0015356.

gnomAD v4.1: 3 of 1,561,224 alleles (0.00019%); highest among the groups gnomAD compares: Non-Finnish European, 0.00017%; no homozygotes.

Submission:

Ambry Genetics
Classification: Uncertain significance for Hereditary cancer-predisposing syndrome. Last evaluated: 2025-01-28. Review status: criteria provided, single submitter. Criteria: Ambry Variant Classification Scheme 2023. Collection method: clinical testing. Allele origin: germline.
Comment: The p.P359S variant (also known as c.1075C>T), located in coding exon 8 of the POLD1 gene, results from a C to T substitution at nucleotide position 1075. The proline at codon 359 is replaced by serine, an amino acid with similar properties. This amino acid position is conserved. In addition, this alteration is predicted to be tolerated by in silico analysis. Based on the available evidence, the clinical significance of this variant remains unclear.

NM_002691.4(POLD1):c.1075C>T (p.Pro359Ser)

Gene: POLD1 (DNA polymerase delta 1, catalytic subunit; plus strand). Cytogenetic location: 19q13.33.
Variant type: single nucleotide variant.
Coding change: c.1075C>T on transcript NM_002691.4 (MANE Select); coding-DNA position 1075, C replaced by T.
Protein change: p.Pro359Ser; replaces proline 359 with serine.
Molecular consequence: missense variant. On other transcripts: non-coding transcript variant (1).
Genome position (GRCh38, 1-based): chr19:50,403,157, C>T. VCF-style: chr19-50403157-C-T. GRCh37 (hg19) VCF-style: chr19-50906414-C-T.
Other names: c.1075C>T, p.Pro359Ser (NM_001256849.1, NM_001308632.1); short protein forms P359S.
Identifiers: ClinVar variation 3891286 (VCV003891286.1).